The following is an entry in ClinVar:

ClinVar aggregate classification (germline): Uncertain significance (1 of 4 stars; one submission).

gnomAD v4.1: 7 of 1,544,722 alleles (0.00045%); highest among the groups gnomAD compares: Non-Finnish European, 0.00061%; no homozygotes.

Submission:

Women's Health and Genetics/Laboratory Corporation of America, LabCorp
Classification: Uncertain significance. Last evaluated: 2026-04-13. Review status: criteria provided, single submitter. Criteria: LabCorp Variant Classification Summary - May 2015. Collection method: clinical testing. Allele origin: germline.
Comment: Variant summary: ZNF469 c.3551C>T (p.Ala1184Val) results in a non-conservative amino acid change in the encoded protein sequence. Algorithms developed to predict the effect of missense changes on protein structure and function are either unavailable or do not agree on the potential impact of this missense change. The variant was absent in 143830 control chromosomes. The available data on variant occurrences in the general population are insufficient to allow any conclusion about variant significance. To our knowledge, no occurrence of c.3551C>T in individuals affected with ZNF469-related conditions and no experimental evidence demonstrating its impact on protein function have been reported. No submitters have cited clinical-significance assessments for this variant to ClinVar. Based on the evidence outlined above, the variant was classified as uncertain significance.

NM_001367624.2(ZNF469):c.3551C>T (p.Ala1184Val)

Gene: ZNF469 (zinc finger protein 469; plus strand). Cytogenetic location: 16q24.2.
Variant type: single nucleotide variant.
Coding change: c.3551C>T on transcript NM_001367624.2 (MANE Select); coding-DNA position 3551, C replaced by T.
Protein change: p.Ala1184Val; replaces alanine 1184 with valine.
Molecular consequence: missense variant.
Genome position (GRCh38, 1-based): chr16:88,431,021, C>T. VCF-style: chr16-88431021-C-T. GRCh37 (hg19) VCF-style: chr16-88497429-C-T.
Other names: short protein forms A1184V.
Identifiers: ClinVar variation 4848650 (VCV004848650.1).